The following is an entry in ClinVar:

NM_015512.5(DNAH1):c.113C>T (p.Pro38Leu)

Gene: DNAH1 (dynein axonemal heavy chain 1; plus strand). Cytogenetic location: 3p21.1.
Variant type: single nucleotide variant.
Coding change: c.113C>T on transcript NM_015512.5 (MANE Select); coding-DNA position 113, C replaced by T.
Protein change: p.Pro38Leu; replaces proline 38 with leucine.
Molecular consequence: missense variant.
Genome position (GRCh38, 1-based): chr3:52,322,555, C>T. VCF-style: chr3-52322555-C-T. GRCh37 (hg19) VCF-style: chr3-52356571-C-T.
Other names: short protein forms P38L.
Identifiers: ClinVar variation 1003880 (VCV001003880.4), dbSNP rs752563791, ClinGen allele CA2432561.

ClinVar aggregate classification (germline): Uncertain significance (1 of 4 stars; one submission).

Conditions:
Spermatogenic failure 18. Identifiers: MedGen C4539783, MONDO:0054615, OMIM 617576.
Ciliary dyskinesia, primary, 37 (CILD37). Also called: CILIARY DYSKINESIA, PRIMARY, 37, WITH OR WITHOUT SITUS INVERSUS. Identifiers: MedGen C4539798, MONDO:0033204, OMIM 617577.

Allele frequency attached by ClinVar (database versions not stated): ExAC 0.00004; gnomAD 0.00002; gnomAD exomes 0.00003; TOPMed 0.00005.
gnomAD v4.1: 22 of 1,613,766 alleles (0.0014%); highest among the groups gnomAD compares: Middle Eastern, 0.016%; no homozygotes.

Submission:

Labcorp Genetics (formerly Invitae), Labcorp
Classification: Uncertain significance for Ciliary dyskinesia, primary, 37; Spermatogenic failure 18. Last evaluated: 2025-02-01. Review status: criteria provided, single submitter. Criteria: Invitae Variant Classification Sherloc (09022015). Collection method: clinical testing. Allele origin: germline.
Comment: This sequence change replaces proline, which is neutral and non-polar, with leucine, which is neutral and non-polar, at codon 38 of the DNAH1 protein (p.Pro38Leu). This variant is present in population databases (rs752563791, gnomAD 0.006%). This variant has not been reported in the literature in individuals affected with DNAH1-related conditions. ClinVar contains an entry for this variant (Variation ID: 1003880). An algorithm developed to predict the effect of missense changes on protein structure and function outputs the following: PolyPhen-2: "Benign". The leucine amino acid residue is found in multiple mammalian species, which suggests that this missense change does not adversely affect protein function. In summary, the available evidence is currently insufficient to determine the role of this variant in disease. Therefore, it has been classified as a Variant of Uncertain Significance.